The following is an entry in ClinVar:

NM_001278716.2(FBXL4):c.1703-14T>C

Gene: FBXL4 (F-box and leucine rich repeat protein 4; minus strand). Cytogenetic location: 6q16.1.
Variant type: single nucleotide variant.
Coding change: c.1703-14T>C on transcript NM_001278716.2 (MANE Select); 14 bases into the intron before coding-DNA position 1703, T replaced by C.
Molecular consequence: intron variant.
Genome position (GRCh38, 1-based): chr6:98,874,455, A>G on the plus strand (T>C on the coding strand, the complement: FBXL4 is on the minus strand). VCF-style: chr6-98874455-A-G. GRCh37 (hg19) VCF-style: chr6-99322331-A-G.
Other names: c.1703-14T>C (NM_012160.5).
Identifiers: ClinVar variation 437794 (VCV000437794.5), dbSNP rs773834428, ClinGen allele CA3933368.

ClinVar aggregate classification (germline): Conflicting classifications of pathogenicity. Review status: criteria provided, conflicting classifications (1 of 4 stars). 2 submissions from 2 submitters: Uncertain significance (1); Likely benign (1). Last evaluated 2021-12-23.

Conditions:
Mitochondrial DNA depletion syndrome 13. Also called: FBXL4-Related Encephalomyopathic Mitochondrial DNA Depletion Syndrome; Mitochondrial DNA depletion syndrome 13 (encephalomyopathic type). Identifiers: Orphanet 369897, MedGen C3809592, MONDO:0014198, OMIM 615471.

Allele frequency attached by ClinVar (database versions not stated): gnomAD exomes 0.00001; ExAC 0.00002.
gnomAD v4.1: 4 of 1,583,334 alleles (0.00025%); highest among the groups gnomAD compares: Admixed American, 0.0077%; no homozygotes.

Submissions (2):

Labcorp Genetics (formerly Invitae), Labcorp
Classification: Likely benign. Last evaluated: 2021-12-23. Review status: criteria provided, single submitter. Criteria: Invitae Variant Classification Sherloc (09022015). Collection method: clinical testing. Allele origin: germline.

Wong Mito Lab, Molecular and Human Genetics, Baylor College of Medicine
Classification: Uncertain significance for Mitochondrial DNA depletion syndrome 13. Last evaluated: 2017-08-10. Review status: criteria provided, single submitter. Criteria: ACMG Guidelines, 2015. Collection method: reference population. Allele origin: germline.
Comment: The NM_012160.4:c.1703-14T>C (NP_036292.2:p.=) [GRCH38: NC_000006.12:g.98874455A>G] variant in FBXL4 gene is interpretated to be a Uncertain Significance - Insufficient Evidence based on ACMG guidelines (PMID: 25741868). This variant meets one or more of the following evidence codes reported in the ACMG-guideline. PM2:This variant is absent in key population databases. Based on this evidence code ClinGen Pathogenicity Calculator (PMID:28081714) suggested that the variant is Uncertain Significance - Insufficient Evidence.